The following is an entry in ClinVar:

NM_001174147.2(LMX1B):c.*2984C>T

Gene: LMX1B (LIM homeobox transcription factor 1 beta; plus strand). Cytogenetic location: 9q33.3.
Variant type: single nucleotide variant.
Coding change: c.*2984C>T on transcript NM_001174147.2 (MANE Select); 2984 bases downstream of the stop codon, C replaced by T.
Molecular consequence: 3 prime UTR variant.
Genome position (GRCh38, 1-based): chr9:126,699,435, C>T. VCF-style: chr9-126699435-C-T. GRCh37 (hg19) VCF-style: chr9-129461714-C-T.
Other names: c.*2984C>T (NM_001174146.2, NM_002316.4).
Identifiers: ClinVar variation 364961 (VCV000364961.6), dbSNP rs4083644, ClinGen allele CA10632481.

ClinVar aggregate classification (germline): Benign. Review status: criteria provided, multiple submitters, no conflicts (2 of 4 stars). 2 submissions from 2 submitters: Benign (2). Last evaluated 2018-01-12.

Conditions:
Nail-patella syndrome (NPS). Also called: FONG DISEASE; ONYCHOOSTEODYSPLASIA; TURNER-KIESER SYNDROME. Identifiers: Orphanet 2614, MedGen C0027341, MONDO:0008061, OMIM 161200.

Allele frequency attached by ClinVar (database versions not stated): TOPMed 0.25644; gnomAD 0.26400 and 0.26810; 1000 Genomes Project 30x 0.28123; 1000 Genomes Project 0.28734; gnomAD exomes 0.29412.
gnomAD v4.1: 40,885 of 152,136 alleles (27%); highest among the groups gnomAD compares: South Asian, 37%; 5,539 homozygotes.

Submissions (2):

Illumina Laboratory Services, Illumina
Classification: Benign for Nail-patella syndrome. Last evaluated: 2018-01-12. Review status: criteria provided, single submitter. Criteria: ICSL Variant Classification Criteria 13 December 2019. Collection method: clinical testing. Allele origin: germline.
Comment: This variant was observed in the ICSL laboratory as part of a predisposition screen in an ostensibly healthy population. It had not been previously curated by ICSL or reported in the Human Gene Mutation Database (HGMD: prior to June 1st, 2018), and was therefore a candidate for classification through an automated scoring system. Utilizing variant allele frequency, disease prevalence and penetrance estimates, and inheritance mode, an automated score was calculated to assess if this variant is too frequent to cause the disease. Based on the score and internal cut-off values, a variant classified as benign is not then subjected to further curation. The score for this variant resulted in a classification of benign for this disease.

Breakthrough Genomics
Classification: Benign. Review status: criteria provided, single submitter. Criteria: ACMG Guidelines, 2015. Collection method: not provided. Allele origin: germline. Inheritance: Autosomal dominant inheritance. Affected: yes.